The following is an entry in ClinVar:

NM_000038.6(APC):c.532-1064T>G

Gene: APC (APC regulator of WNT signaling pathway; plus strand). Cytogenetic location: 5q22.2.
Variant type: single nucleotide variant.
Coding change: c.532-1064T>G on transcript NM_000038.6 (MANE Select); 1064 bases into the intron before coding-DNA position 532, T replaced by G.
Molecular consequence: intron variant.
Genome position (GRCh38, 1-based): chr5:112,779,726, T>G. VCF-style: chr5-112779726-T-G. GRCh37 (hg19) VCF-style: chr5-112115423-T-G.
Other names: c.532-1064T>G (NM_001354895.2, NM_001127510.3, NM_001354896.2 and 2 more transcripts); c.562-1064T>G (NM_001354897.2, NM_001354902.2, NM_001127511.3); c.457-1064T>G (NM_001354898.2, NM_001354904.2); c.-504-1064T>G (NM_001354906.2); c.355-1064T>G (NM_001354900.2, NM_001354901.2, NM_001354905.2).
Identifiers: ClinVar variation 679891 (VCV000679891.1), dbSNP rs79724263, ClinGen allele CA124936553.

ClinVar aggregate classification (germline): Likely benign (1 of 4 stars; one submission).

Allele frequency attached by ClinVar (database versions not stated): 1000 Genomes Project 0.00639; 1000 Genomes Project 30x 0.00765; gnomAD 0.01409 and 0.01417; TOPMed 0.01418.
gnomAD v4.1: 2,146 of 152,224 alleles (1.4%); highest among the groups gnomAD compares: Non-Finnish European, 2%; 18 homozygotes.

Submission:

GeneDx
Classification: Likely benign. Last evaluated: 2018-06-15. Review status: criteria provided, single submitter. Criteria: GeneDx Variant Classification (06012015). Collection method: clinical testing. Allele origin: germline. Affected: yes.
Comment: This variant is considered likely benign or benign based on one or more of the following criteria: it is a conservative change, it occurs at a poorly conserved position in the protein, it is predicted to be benign by multiple in silico algorithms, and/or has population frequency not consistent with disease.